The following is an entry in ClinVar:

NM_005876.5(SPEG):c.5553T>G (p.His1851Gln)

Gene: SPEG (striated muscle enriched protein kinase; plus strand). Cytogenetic location: 2q35.
Variant type: single nucleotide variant.
Coding change: c.5553T>G on transcript NM_005876.5 (MANE Select); coding-DNA position 5553, T replaced by G.
Protein change: p.His1851Gln; replaces histidine 1851 with glutamine.
Molecular consequence: missense variant.
Genome position (GRCh38, 1-based): chr2:219,481,668, T>G. VCF-style: chr2-219481668-T-G. GRCh37 (hg19) VCF-style: chr2-220346390-T-G.
Other names: short protein forms H1851Q.
Identifiers: ClinVar variation 1446328 (VCV001446328.8), dbSNP rs775140062, ClinGen allele CA2126867.

ClinVar aggregate classification (germline): Uncertain significance (1 of 4 stars; one submission).

Allele frequency attached by ClinVar (database versions not stated): gnomAD 0.00001; TOPMed 0.00001; gnomAD exomes 0.00004 and 0.00008; ExAC 0.00014.
gnomAD v4.1: 36 of 1,614,016 alleles (0.0022%); highest among the groups gnomAD compares: Non-Finnish European, 0.00085%; no homozygotes.

Submission:

Labcorp Genetics (formerly Invitae), Labcorp
Classification: Uncertain significance. Last evaluated: 2021-05-18. Review status: criteria provided, single submitter. Criteria: Invitae Variant Classification Sherloc (09022015). Collection method: clinical testing. Allele origin: germline.
Comment: This sequence change replaces histidine with glutamine at codon 1851 of the SPEG protein (p.His1851Gln). The histidine residue is highly conserved and there is a small physicochemical difference between histidine and glutamine. This variant is present in population databases (rs775140062, ExAC 0.03%). This variant has not been reported in the literature in individuals with SPEG-related conditions. Algorithms developed to predict the effect of missense changes on protein structure and function are either unavailable or do not agree on the potential impact of this missense change (SIFT: "Deleterious"; PolyPhen-2: "Probably Damaging"; Align-GVGD: "Class C15"). In summary, the available evidence is currently insufficient to determine the role of this variant in disease. Therefore, it has been classified as a Variant of Uncertain Significance.